The following is an entry in ClinVar:

ClinVar aggregate classification (germline): Uncertain significance (1 of 4 stars; one submission).

Conditions:
Glycogen storage disease IXd (GSD9D). Also called: GSD IXd; Muscle Phosphorylase Kinase Deficiency. Identifiers: Orphanet 715, MedGen C1845151, MONDO:0010362, OMIM 300559.

Allele frequency attached by ClinVar (database versions not stated): gnomAD exomes 0.00002; ExAC 0.00003.

Submission:

Labcorp Genetics (formerly Invitae), Labcorp
Classification: Uncertain significance for Glycogen storage disease IXd. Last evaluated: 2023-05-23. Review status: criteria provided, single submitter. Criteria: Invitae Variant Classification Sherloc (09022015). Collection method: clinical testing. Allele origin: germline.
Comment: In summary, the available evidence is currently insufficient to determine the role of this variant in disease. Therefore, it has been classified as a Variant of Uncertain Significance. Advanced modeling of protein sequence and biophysical properties (such as structural, functional, and spatial information, amino acid conservation, physicochemical variation, residue mobility, and thermodynamic stability) performed at Invitae indicates that this missense variant is not expected to disrupt PHKA1 protein function. This variant has not been reported in the literature in individuals affected with PHKA1-related conditions. This variant is present in population databases (rs782227059, gnomAD 0.04%). This sequence change replaces leucine, which is neutral and non-polar, with serine, which is neutral and polar, at codon 798 of the PHKA1 protein (p.Leu798Ser).

NM_002637.4(PHKA1):c.2393T>C (p.Leu798Ser)

Gene: PHKA1 (phosphorylase kinase regulatory subunit alpha 1; minus strand). Cytogenetic location: Xq13.1.
Variant type: single nucleotide variant.
Coding change: c.2393T>C on transcript NM_002637.4 (MANE Select); coding-DNA position 2393, T replaced by C.
Protein change: p.Leu798Ser; replaces leucine 798 with serine.
Molecular consequence: missense variant.
Genome position (GRCh38, 1-based): chrX:72,611,161, A>G on the plus strand (T>C on the coding strand, the complement: PHKA1 is on the minus strand). VCF-style: chrX-72611161-A-G. GRCh37 (hg19) VCF-style: chrX-71831011-A-G.
Other names: c.2393T>C, p.Leu798Ser (NM_001122670.2); c.2216T>C, p.Leu739Ser (NM_001172436.2); short protein forms L739S, L798S.
Identifiers: ClinVar variation 3003416 (VCV003003416.3), dbSNP rs782227059, ClinGen allele CA10450699.